The following is an entry in ClinVar:

NM_012310.5(KIF4A):c.2050T>C (p.Tyr684His)

Gene: KIF4A (kinesin family member 4A; plus strand). Cytogenetic location: Xq13.1.
Variant type: single nucleotide variant.
Coding change: c.2050T>C on transcript NM_012310.5 (MANE Select); coding-DNA position 2050, T replaced by C.
Protein change: p.Tyr684His; replaces tyrosine 684 with histidine.
Molecular consequence: missense variant.
Genome position (GRCh38, 1-based): chrX:70,386,633, T>C. VCF-style: chrX-70386633-T-C. GRCh37 (hg19) VCF-style: chrX-69606483-T-C.
Other names: short protein forms Y684H.
Identifiers: ClinVar variation 4527207 (VCV004527207.1).

ClinVar aggregate classification (germline): Uncertain significance (1 of 4 stars; one submission).

Submission:

GeneDx
Classification: Uncertain significance. Last evaluated: 2025-04-24. Review status: criteria provided, single submitter. Criteria: GeneDx Variant Classification Process June 2021. Collection method: clinical testing. Allele origin: germline. Affected: yes.
Comment: In silico analysis indicates that this missense variant does not alter protein structure/function; Has not been previously published as pathogenic or benign to our knowledge